The following is an entry in ClinVar:

NM_006231.4(POLE):c.1328A>G (p.Asp443Gly)

Gene: POLE (DNA polymerase epsilon, catalytic subunit; minus strand). Cytogenetic location: 12q24.33.
Variant type: single nucleotide variant.
Coding change: c.1328A>G on transcript NM_006231.4 (MANE Select); coding-DNA position 1328, A replaced by G.
Protein change: p.Asp443Gly; replaces aspartic acid 443 with glycine.
Molecular consequence: missense variant.
Genome position (GRCh38, 1-based): chr12:132,673,606, T>C on the plus strand (A>G on the coding strand, the complement: POLE is on the minus strand). VCF-style: chr12-132673606-T-C. GRCh37 (hg19) VCF-style: chr12-133250192-T-C.
Other names: short protein forms D443G.
Identifiers: ClinVar variation 486125 (VCV000486125.14), dbSNP rs1555228601, ClinGen allele CA387359245.
Genomic context (GRCh38, chr12:132,673,606, plus strand): 5'-CAGGGGCAGCCGGGATGTGGCTTACGTGCCTGGGGCTGCTCCGTGGCCATCCGGCACATG[T>C]CCTCCGGGTCTAGCTCCACGGGATCATAGCCTAGCTTGGCCTTGGCGGCCGCCTTGAGAT-3'
Protein context (NP_006222.2, residues 433-453): GYDPVELDPE[Asp443Gly]MCRMATEQPQ

ClinVar aggregate classification (germline): Uncertain significance. Review status: criteria provided, multiple submitters, no conflicts (2 of 4 stars). 2 submissions from 2 submitters: Uncertain significance (2). Last evaluated 2025-06-06.

Conditions:
Hereditary cancer-predisposing syndrome. Also called: Tumor predisposition; Hereditary Cancer Syndrome; Hereditary neoplastic syndrome; Neoplastic Syndromes, Hereditary. Identifiers: Orphanet 140162, MedGen C0027672, MeSH D009386, MONDO:0015356.

Submissions (2):

Ambry Genetics
Classification: Uncertain significance for Hereditary cancer-predisposing syndrome. Last evaluated: 2025-06-06. Review status: criteria provided, single submitter. Criteria: Ambry Variant Classification Scheme 2023. Collection method: clinical testing. Allele origin: germline.
Comment: The p.D443G variant (also known as c.1328A>G), located in coding exon 13 of the POLE gene, results from an A to G substitution at nucleotide position 1328. The aspartic acid at codon 443 is replaced by glycine, an amino acid with similar properties. This amino acid position is not well conserved in available vertebrate species. In addition, this alteration is predicted to be tolerated by in silico analysis. Based on the available evidence, the clinical significance of this variant remains unclear.

Labcorp Genetics (formerly Invitae), Labcorp
Classification: Uncertain significance. Last evaluated: 2018-04-25. Review status: criteria provided, single submitter. Criteria: Invitae Variant Classification Sherloc (09022015). Collection method: clinical testing. Allele origin: germline.
Comment: This sequence change replaces aspartic acid with glycine at codon 443 of the POLE protein (p.Asp443Gly). The aspartic acid residue is weakly conserved and there is a moderate physicochemical difference between aspartic acid and glycine. In summary, the available evidence is currently insufficient to determine the role of this variant in disease. Therefore, it has been classified as a Variant of Uncertain Significance. Algorithms developed to predict the effect of missense changes on protein structure and function do not agree on the potential impact of this missense change (SIFT: "Tolerated"; PolyPhen-2: "Possibly Damaging"; Align-GVGD: "Class C0"). This variant has not been reported in the literature in individuals with POLE-related disease. ClinVar contains an entry for this variant (Variation ID: 486125). This variant is not present in population databases (ExAC no frequency).